The following is an entry in ClinVar:

NM_006031.6(PCNT):c.6602G>A (p.Arg2201His)

Gene: PCNT (pericentrin; plus strand). Cytogenetic location: 21q22.3.
Variant type: single nucleotide variant.
Coding change: c.6602G>A on transcript NM_006031.6 (MANE Select); coding-DNA position 6602, G replaced by A.
Protein change: p.Arg2201His; replaces arginine 2201 with histidine.
Molecular consequence: missense variant.
Genome position (GRCh38, 1-based): chr21:46,416,520, G>A. VCF-style: chr21-46416520-G-A. GRCh37 (hg19) VCF-style: chr21-47836434-G-A.
Other names: c.6248G>A, p.Arg2083His (NM_001315529.2); short protein forms R2083H, R2201H.
Identifiers: ClinVar variation 3357381 (VCV003357381.2).

ClinVar aggregate classification (germline): Likely benign. Review status: criteria provided, single submitter (1 of 4 stars). 2 submissions from 2 submitters: Likely benign (1). 1 of the submissions does not count toward it. Last evaluated 2025-08-21.

Conditions:
Inborn genetic diseases. Identifiers: MedGen C0950123, MeSH D030342.
PCNT-related disorder. Also called: PCNT-related condition.

gnomAD v4.1: 24 of 1,613,614 alleles (0.0015%); highest among the groups gnomAD compares: African/African-American, 0.0053%; no homozygotes.

Submissions (2):

Ambry Genetics
Classification: Likely benign for Inborn genetic diseases. Last evaluated: 2025-08-21. Review status: criteria provided, single submitter. Criteria: Ambry Variant Classification Scheme 2023. Collection method: clinical testing. Allele origin: germline.

PreventionGenetics, part of Exact Sciences
Classification: Uncertain significance for PCNT-related condition. Last evaluated: 2024-03-06. Review status: no assertion criteria provided. Collection method: clinical testing. Allele origin: germline. Not counted in ClinVar's aggregate classification.
Comment: The PCNT c.6602G>A variant is predicted to result in the amino acid substitution p.Arg2201His. To our knowledge, this variant has not been reported in the literature. This variant is reported in 0.0054% of alleles in individuals of East Asian descent in gnomAD. At this time, the clinical significance of this variant is uncertain due to the absence of conclusive functional and genetic evidence.